The following is an entry in ClinVar:

ClinVar aggregate classification (germline): Uncertain significance. Review status: criteria provided, multiple submitters, no conflicts (2 of 4 stars). 4 submissions from 4 submitters: Uncertain significance (4). Last evaluated 2026-04-20.

Conditions:
Malignant hyperthermia, susceptibility to, 1 (MHS1). Also called: Anesthesia related hyperthermia; Malignant hyperpyrexia; Fulminating hyperpyrexia; Pharmacogenic myopathy; Malignant hyperthermia suceptibility 1; RYR1-Related Malignant Hyperthermia Susceptibility. Identifiers: Orphanet 423, MedGen C2930980, MONDO:0007783, OMIM 145600.
RYR1-related disorder. Also called: RYR1-related condition; RYR1-related disorders. Identifiers: MedGen CN239331.

gnomAD v4.1: 7 of 1,614,048 alleles (0.00043%); highest among the groups gnomAD compares: Non-Finnish European, 0.00059%; no homozygotes.

Submissions (4):

GeneDx
Classification: Uncertain significance. Last evaluated: 2026-04-20. Review status: criteria provided, single submitter. Criteria: GeneDx Variant Classification Process June 2021. Collection method: clinical testing. Allele origin: germline.
Comment: Not observed at significant frequency in large population cohorts (gnomAD); In silico analysis supports that this missense variant has a deleterious effect on protein structure/function; Has not been previously published as pathogenic or benign to our knowledge

Labcorp Genetics (formerly Invitae), Labcorp
Classification: Uncertain significance for RYR1-related disorder. Last evaluated: 2025-09-09. Review status: criteria provided, single submitter. Criteria: Invitae Variant Classification Sherloc (09022015). Collection method: clinical testing. Allele origin: germline.
Comment: This sequence change replaces valine, which is neutral and non-polar, with glycine, which is neutral and non-polar, at codon 4153 of the RYR1 protein (p.Val4153Gly). This variant is present in population databases (no rsID available, gnomAD 0.0009%). This variant has not been reported in the literature in individuals affected with RYR1-related conditions. ClinVar contains an entry for this variant (Variation ID: 3385582). Invitae Evidence Modeling of protein sequence and biophysical properties (such as structural, functional, and spatial information, amino acid conservation, physicochemical variation, residue mobility, and thermodynamic stability) indicates that this missense variant is expected to disrupt RYR1 protein function with a positive predictive value of 80%. In summary, the available evidence is currently insufficient to determine the role of this variant in disease. Therefore, it has been classified as a Variant of Uncertain Significance.

All of Us Research Program, National Institutes of Health
Classification: Uncertain significance for Malignant hyperthermia, susceptibility to, 1. Last evaluated: 2024-05-09. Review status: criteria provided, single submitter. Criteria: ACMG Guidelines, 2015. Collection method: clinical testing. Allele origin: germline. Inheritance: Autosomal dominant inheritance. Observed: 2 variant alleles, 2 heterozygotes.
Comment: This missense variant replaces valine with glycine at codon 4153 of the RYR1 protein. Computational prediction suggests that this variant may have deleterious impact on protein structure and function (internally defined REVEL score threshold >= 0.7, PMID: 27666373). To our knowledge, functional studies have not been reported for this variant. This variant has not been reported in individuals affected with RYR1-related disorders in the literature. This variant has been identified in 1/251142 chromosomes in the general population by the Genome Aggregation Database (gnomAD). The available evidence is insufficient to determine the role of this variant in disease conclusively. Therefore, this variant is classified as a Variant of Uncertain Significance.

This study involves interpretation of variants in research participants for the purpose of population health screening. Participant phenotype was not available at the time of variant classification. Additional details can be found in publication PMID: 35346344, PMCID: PMC8962531

ARUP Laboratories, Molecular Genetics and Genomics, ARUP Laboratories
Classification: Uncertain significance. Last evaluated: 2024-03-22. Review status: criteria provided, single submitter. Criteria: ARUP Molecular Germline Variant Investigation Process 2024. Collection method: clinical testing. Allele origin: germline.
Comment: The RYR1 c.12458T>G; p.Val4153Gly variant (rs1437917324), to our knowledge, is not reported in the medical literature or gene specific databases. This variant is only found on one allele in the Genome Aggregation Database, indicating it is not a common polymorphism. Computational analyses predict that this variant is deleterious (REVEL: 0.785). Due to limited information, the clinical significance of this variant is uncertain at this time.

NM_000540.3(RYR1):c.12458T>G (p.Val4153Gly)

Gene: RYR1 (ryanodine receptor 1; plus strand). Cytogenetic location: 19q13.2.
Variant type: single nucleotide variant.
Coding change: c.12458T>G on transcript NM_000540.3 (MANE Select); coding-DNA position 12458, T replaced by G.
Protein change: p.Val4153Gly; replaces valine 4153 with glycine.
Molecular consequence: missense variant.
Genome position (GRCh38, 1-based): chr19:38,561,288, T>G. VCF-style: chr19-38561288-T-G. GRCh37 (hg19) VCF-style: chr19-39051928-T-G.
Other names: c.12443T>G, p.Val4148Gly (NM_001042723.2); short protein forms V4148G, V4153G.
Identifiers: ClinVar variation 3385582 (VCV003385582.5).